The following is an entry in ClinVar:

ClinVar aggregate classification (germline): Uncertain significance. Review status: criteria provided, multiple submitters, no conflicts (2 of 4 stars). 2 submissions from 2 submitters: Uncertain significance (2). Last evaluated 2024-05-01.

Allele frequency attached by ClinVar (database versions not stated): gnomAD exomes 0.00001; TOPMed 0.00001.

Submissions (2):

CeGaT Center for Human Genetics Tuebingen
Classification: Uncertain significance. Last evaluated: 2024-05-01. Review status: criteria provided, single submitter. Criteria: CeGaT Center For Human Genetics Tuebingen Variant Classification Criteria Version 2. Collection method: clinical testing. Allele origin: germline. Affected: yes. Observed: 1 variant allele.
Comment: SPEN: PM2, BP1

Labcorp Genetics (formerly Invitae), Labcorp
Classification: Uncertain significance. Last evaluated: 2021-10-11. Review status: criteria provided, single submitter. Criteria: Invitae Variant Classification Sherloc (09022015). Collection method: clinical testing. Allele origin: germline.
Comment: This missense change has been observed in individual(s) with a neurodevelopmental disorder (Invitae). Algorithms developed to predict the effect of missense changes on protein structure and function are either unavailable or do not agree on the potential impact of this missense change (SIFT: "Deleterious"; PolyPhen-2: "Possibly Damaging"; Align-GVGD: "Class C0"). Algorithms developed to predict the effect of sequence changes on RNA splicing suggest that this variant may create or strengthen a splice site. In summary, the available evidence is currently insufficient to determine the role of this variant in disease. Therefore, it has been classified as a Variant of Uncertain Significance. This sequence change replaces glutamic acid with glycine at codon 3570 of the SPEN protein (p.Glu3570Gly). The glutamic acid residue is highly conserved and there is a moderate physicochemical difference between glutamic acid and glycine. This variant is not present in population databases (ExAC no frequency).

NM_015001.3(SPEN):c.10709A>G (p.Glu3570Gly)

Gene: SPEN (spen family transcriptional repressor; plus strand). Cytogenetic location: 1p36.13.
Variant type: single nucleotide variant.
Coding change: c.10709A>G on transcript NM_015001.3 (MANE Select); coding-DNA position 10709, A replaced by G.
Protein change: p.Glu3570Gly; replaces glutamic acid 3570 with glycine.
Molecular consequence: missense variant.
Genome position (GRCh38, 1-based): chr1:15,938,722, A>G. VCF-style: chr1-15938722-A-G. GRCh37 (hg19) VCF-style: chr1-16265217-A-G.
Other names: short protein forms E3570G.
Identifiers: ClinVar variation 1442157 (VCV001442157.25), dbSNP rs899406786, ClinGen allele CA18286616.